The following is an entry in ClinVar:

ClinVar aggregate classification (germline): Uncertain significance (1 of 4 stars; one submission).

Submission:

GeneDx
Classification: Uncertain significance. Last evaluated: 2023-02-09. Review status: criteria provided, single submitter. Criteria: GeneDx Variant Classification Process June 2021. Collection method: clinical testing. Allele origin: germline. Affected: yes.
Comment: Has not been previously published as pathogenic or benign to our knowledge; Not observed at significant frequency in large population cohorts (gnomAD); In silico analysis supports that this missense variant has a deleterious effect on protein structure/function; Does not occur within a calcium-binding-EGF-like domain (Callewaert et al., 2009, Frederic et al., 2009)

NM_001999.4(FBN2):c.2750A>T (p.Lys917Ile)

Gene: FBN2 (fibrillin 2; minus strand). Cytogenetic location: 5q23.3.
Variant type: single nucleotide variant.
Coding change: c.2750A>T on transcript NM_001999.4 (MANE Select); coding-DNA position 2750, A replaced by T.
Protein change: p.Lys917Ile; replaces lysine 917 with isoleucine.
Molecular consequence: missense variant.
Genome position (GRCh38, 1-based): chr5:128,350,930, T>A on the plus strand (A>T on the coding strand, the complement: FBN2 is on the minus strand). VCF-style: chr5-128350930-T-A. GRCh37 (hg19) VCF-style: chr5-127686622-T-A.
Other names: short protein forms K917I.
Identifiers: ClinVar variation 2575620 (VCV002575620.1), dbSNP rs2479308854, ClinGen allele CA360766257.